The following is an entry in ClinVar:

ClinVar aggregate classification (germline): Uncertain significance (1 of 4 stars; one submission).

Conditions:
Galactosylceramide beta-galactosidase deficiency. Also called: GALACTOCEREBROSIDASE DEFICIENCY; GALC DEFICIENCY; GLOBOID CELL LEUKOENCEPHALOPATHY; Leukodystrophy, Globoid Cell; Krabbe Disease. Identifiers: Orphanet 487, MedGen C0023521, MONDO:0009499, OMIM 245200.

Submission:

Labcorp Genetics (formerly Invitae), Labcorp
Classification: Uncertain significance for Galactosylceramide beta-galactosidase deficiency. Last evaluated: 2024-01-17. Review status: criteria provided, single submitter. Criteria: Invitae Variant Classification Sherloc (09022015). Collection method: clinical testing. Allele origin: germline.
Comment: This sequence change replaces tyrosine, which is neutral and polar, with cysteine, which is neutral and slightly polar, at codon 173 of the GALC protein (p.Tyr173Cys). This variant is not present in population databases (gnomAD no frequency). This variant has not been reported in the literature in individuals affected with GALC-related conditions. ClinVar contains an entry for this variant (Variation ID: 1449002). Advanced modeling of protein sequence and biophysical properties (such as structural, functional, and spatial information, amino acid conservation, physicochemical variation, residue mobility, and thermodynamic stability) has been performed at Invitae for this missense variant, however the output from this modeling did not meet the statistical confidence thresholds required to predict the impact of this variant on GALC protein function. In summary, the available evidence is currently insufficient to determine the role of this variant in disease. Therefore, it has been classified as a Variant of Uncertain Significance.

NM_000153.4(GALC):c.518A>G (p.Tyr173Cys)

Gene: GALC (galactosylceramidase; minus strand). Cytogenetic location: 14q31.3.
Variant type: single nucleotide variant.
Coding change: c.518A>G on transcript NM_000153.4 (MANE Select); coding-DNA position 518, A replaced by G.
Protein change: p.Tyr173Cys; replaces tyrosine 173 with cysteine.
Molecular consequence: missense variant.
Genome position (GRCh38, 1-based): chr14:87,984,458, T>C on the plus strand (A>G on the coding strand, the complement: GALC is on the minus strand). VCF-style: chr14-87984458-T-C. GRCh37 (hg19) VCF-style: chr14-88450802-T-C.
Other names: c.449A>G, p.Tyr150Cys (NM_001201401.2); c.440A>G, p.Tyr147Cys (NM_001201402.2); short protein forms Y150C, Y147C, Y173C.
Identifiers: ClinVar variation 1449002 (VCV001449002.11), dbSNP rs1388075066, ClinGen allele CA390751644.